The following is an entry in ClinVar:

ClinVar aggregate classification (germline): Uncertain significance (1 of 4 stars; one submission).

Submission:

GeneDx
Classification: Uncertain significance. Last evaluated: 2024-01-24. Review status: criteria provided, single submitter. Criteria: GeneDx Variant Classification Process June 2021. Collection method: clinical testing. Allele origin: germline. Affected: yes.
Comment: Not observed at significant frequency in large population cohorts (gnomAD); In silico analysis supports that this missense variant does not alter protein structure/function; Has not been previously published as pathogenic or benign to our knowledge

NM_024596.5(MCPH1):c.1037A>G (p.His346Arg)

Gene: MCPH1 (microcephalin 1; plus strand). Cytogenetic location: 8p23.1.
Variant type: single nucleotide variant.
Coding change: c.1037A>G on transcript NM_024596.5 (MANE Select); coding-DNA position 1037, A replaced by G.
Protein change: p.His346Arg; replaces histidine 346 with arginine.
Molecular consequence: missense variant. On other transcripts: non-coding transcript variant (1).
Genome position (GRCh38, 1-based): chr8:6,444,759, A>G. VCF-style: chr8-6444759-A-G. GRCh37 (hg19) VCF-style: chr8-6302280-A-G.
Other names: c.1037A>G, p.His346Arg (NM_001172574.2, NM_001322042.2, NM_001363979.1 and 3 more transcripts); c.893A>G, p.His298Arg (NM_001172575.2); c.1031A>G, p.His344Arg (NM_001322043.2); c.935A>G, p.His312Arg (NM_001322045.2); short protein forms H298R, H312R, H344R, H346R.
Identifiers: ClinVar variation 3368055 (VCV003368055.1).